The following is an entry in ClinVar:

ClinVar aggregate classification (germline): Uncertain significance (1 of 4 stars; one submission).

Allele frequency attached by ClinVar (database versions not stated): TOPMed below 0.00001.

Submission:

Labcorp Genetics (formerly Invitae), Labcorp
Classification: Uncertain significance. Last evaluated: 2023-09-05. Review status: criteria provided, single submitter. Criteria: Invitae Variant Classification Sherloc (09022015). Collection method: clinical testing. Allele origin: germline.
Comment: An algorithm developed to predict the effect of missense changes on protein structure and function (PolyPhen-2) suggests that this variant is likely to be disruptive. This variant has not been reported in the literature in individuals affected with ERBIN-related conditions. In summary, the available evidence is currently insufficient to determine the role of this variant in disease. Therefore, it has been classified as a Variant of Uncertain Significance. This sequence change replaces histidine, which is basic and polar, with proline, which is neutral and non-polar, at codon 1300 of the ERBIN protein (p.His1300Pro). The frequency data for this variant in the population databases is considered unreliable, as metrics indicate poor data quality at this position in the gnomAD database.

NM_001253697.2(ERBIN):c.3899A>C (p.His1300Pro)

Gene: ERBIN (erbb2 interacting protein; plus strand). Cytogenetic location: 5q12.3.
Variant type: single nucleotide variant.
Coding change: c.3899A>C on transcript NM_001253697.2 (MANE Select); coding-DNA position 3899, A replaced by C.
Protein change: p.His1300Pro; replaces histidine 1300 with proline.
Molecular consequence: missense variant. On other transcripts: intron variant (1).
Genome position (GRCh38, 1-based): chr5:66,075,166, A>C. VCF-style: chr5-66075166-A-C. GRCh37 (hg19) VCF-style: chr5-65370994-A-C.
Other names: c.3776A>C, p.His1259Pro (NM_001253698.2, NM_018695.4); c.3920A>C, p.His1307Pro (NM_001253699.2); c.3764A>C, p.His1255Pro (NM_001253701.2); c.3634-1150A>C (NM_001006600.3); short protein forms H1259P, H1300P, H1307P, H1255P.
Identifiers: ClinVar variation 2992438 (VCV002992438.3), dbSNP rs1322754990, ClinGen allele CA359871206.
Genomic context (GRCh38, chr5:66,075,166, plus strand): 5'-CTGTGGCAAGGCATCCCTCTAGAGAACAACTAATTGATTACTTGATGCTGAAAGTGGCCC[A>C]CCAGCCTCCATATACACAGCCCCATTGTTCTCCTAGACAAGGCCATGAACTGGCAAAACA-3'
Protein context (NP_001240626.1, residues 1290-1310): LIDYLMLKVA[His1300Pro]QPPYTQPHCS